The following is an entry in ClinVar:

NM_006005.3(WFS1):c.1941C>A (p.Cys647Ter)

Gene: WFS1 (wolframin ER transmembrane glycoprotein; plus strand). Cytogenetic location: 4p16.1.
Variant type: single nucleotide variant.
Coding change: c.1941C>A on transcript NM_006005.3 (MANE Select); coding-DNA position 1941, C replaced by A.
Protein change: p.Cys647Ter; replaces cysteine 647 with a stop codon.
Molecular consequence: nonsense.
Genome position (GRCh38, 1-based): chr4:6,301,736, C>A. VCF-style: chr4-6301736-C-A. GRCh37 (hg19) VCF-style: chr4-6303463-C-A.
Other names: c.1941C>A, p.Cys647Ter (NM_001145853.1); short protein forms C647*.
Identifiers: ClinVar variation 2300477 (VCV002300477.6), dbSNP rs1261149781, ClinGen allele CA356177142.

ClinVar aggregate classification (germline): Pathogenic/Likely pathogenic. Review status: criteria provided, multiple submitters, no conflicts (2 of 4 stars). 3 submissions from 3 submitters: Pathogenic (2); Likely pathogenic (1). Last evaluated 2026-04-30.

Conditions:
Inborn genetic diseases. Identifiers: MedGen C0950123, MeSH D030342.
Autosomal dominant nonsyndromic hearing loss 6 (LFSNHL). Also called: DEAFNESS, AUTOSOMAL DOMINANT 6; DEAFNESS, AUTOSOMAL DOMINANT 14; DEAFNESS, AUTOSOMAL DOMINANT 38; Autosomal dominant nonsyndromic deafness 6. Identifiers: Orphanet 90635, MedGen C1833021, MONDO:0010963, OMIM 600965.

gnomAD v4.1: 2 of 1,613,996 alleles (0.00012%); highest among the groups gnomAD compares: Admixed American, 0.0017%; no homozygotes.

Submissions (3):

Laboratory of Molecular, Cellular and Translation Genetics in Otolaryngology/ Lim32-hcfmusp, University of Sao Paulo School of Medicine Clinics Hospital
Classification: Likely pathogenic for Autosomal dominant nonsyndromic hearing loss 6. Last evaluated: 2026-04-30. Review status: criteria provided, single submitter. Criteria: ACMG Guidelines, 2015. Collection method: research. Allele origin: germline. Affected: yes.
Comment: NM_006005.3:c.1941C>A:p.(Cys647Ter). This variant has been classified as likely pathogenic. It is rare in population databases (PM2_supporting) and represents a null (loss-of-function) variant in WFS1, a gene in which loss of function is an established disease mechanism (PVS1_strong). It has been repeatedly reported in trans with other pathogenic WFS1 variants (PM3_supporting). As WFS1-related hearing loss due to loss-of-function variants typically follows an autosomal recessive inheritance pattern, and a second pathogenic variant was not identified, the available evidence is insufficient to establish a causal association in this individual as described in PMID: 42233699.

Labcorp Genetics (formerly Invitae), Labcorp
Classification: Pathogenic. Last evaluated: 2025-07-30. Review status: criteria provided, single submitter. Criteria: Invitae Variant Classification Sherloc (09022015). Collection method: clinical testing. Allele origin: germline.
Comment: This sequence change creates a premature translational stop signal (p.Cys647*) in the WFS1 gene. While this is not anticipated to result in nonsense mediated decay, it is expected to disrupt the last 244 amino acid(s) of the WFS1 protein. This variant is present in population databases (no rsID available, gnomAD 0.003%). This premature translational stop signal has been observed in individual(s) with diabetes and/or Wolfram syndrome (PMID: 19042979, 36208030). In at least one individual the data is consistent with being in trans (on the opposite chromosome) from a pathogenic variant. ClinVar contains an entry for this variant (Variation ID: 2300477). For these reasons, this variant has been classified as Pathogenic.

Ambry Genetics
Classification: Pathogenic for Inborn genetic diseases. Last evaluated: 2022-07-28. Review status: criteria provided, single submitter. Criteria: Ambry Variant Classification Scheme 2023. Collection method: clinical testing. Allele origin: germline.
Comment: The c.1941C>A (p.C647*) alteration, located in exon 8 (coding exon 7) of the WFS1 gene, consists of a C to A substitution at nucleotide position 1941. This changes the amino acid from a cysteine (C) to a stop codon at amino acid position 647. This alteration occurs at the 3' terminus of the WFS1 gene, is not expected to trigger nonsense-mediated mRNA decay, and impacts the last 27% (243/890 amino acids) of the protein. However, premature stop codons are typically deleterious in nature and a significant portion of the protein is affected (Ambry internal data) Although biallelic loss of function alterations in WFS1 have been associated with autosomal recessive WFS1-related Wolfram syndrome, haploinsufficiency for WFS1 has not been clearly established as a mechanism of disease for autosomal dominant WFS1-related Wolfram syndrome or autosomal dominant isolated WFS1-related low frequency sensorineural hearing loss. Based on the available evidence, this variant is classified as pathogenic for autosomal recessive autosomal WFS1-related Wolfram syndrome; however, its clinical significance for autosomal dominant isolated WFS1-related low frequency sensorineural hearing loss and autosomal dominant WFS1-related Wolfram syndrome is unclear. Based on data from gnomAD, the A allele has an overall frequency of <0.01% (1/251252) total alleles studied. The highest observed frequency was <0.01% (1/34588) of Latino alleles. This alteration has been reported along with a second alteration in WFS1 in patient with clinical features of Wolfram syndrome (Gasparin, 2009; Kabanovski, 2022). Based on the available evidence, this alteration is classified as pathogenic.

Literature cited by the submitters: PubMed 19042979 (cited by 3 submitters); PubMed 35472603 (cited by Laboratory of Molecular, Cellular and Translation Genetics in Otolaryngology/ Lim32-hcfmusp, University of Sao Paulo School of Medicine Clinics Hospital and Ambry Genetics); PubMed 36208030 (cited by Laboratory of Molecular, Cellular and Translation Genetics in Otolaryngology/ Lim32-hcfmusp, University of Sao Paulo School of Medicine Clinics Hospital and Labcorp Genetics (formerly Invitae), Labcorp); PubMed 42233699 (cited by Laboratory of Molecular, Cellular and Translation Genetics in Otolaryngology/ Lim32-hcfmusp, University of Sao Paulo School of Medicine Clinics Hospital).